The following is an entry in ClinVar:

NM_000143.4(FH):c.82T>C (p.Leu28=)

Gene: FH (fumarate hydratase; minus strand). Cytogenetic location: 1q43.
Variant type: single nucleotide variant.
Coding change: c.82T>C on transcript NM_000143.4 (MANE Select); coding-DNA position 82, T replaced by C.
Protein change: p.Leu28=; no amino-acid change (leucine 28 retained).
Molecular consequence: synonymous variant.
Genome position (GRCh38, 1-based): chr1:241,519,641, A>G on the plus strand (T>C on the coding strand, the complement: FH is on the minus strand). VCF-style: chr1-241519641-A-G. GRCh37 (hg19) VCF-style: chr1-241682941-A-G.
Identifiers: ClinVar variation 1762837 (VCV001762837.3), dbSNP rs2527345110, ClinGen allele CA424076789.

ClinVar aggregate classification (germline): Benign/Likely benign. Review status: criteria provided, multiple submitters, no conflicts (2 of 4 stars). 2 submissions from 2 submitters: Benign (1); Likely benign (1). Last evaluated 2024-10-17.

Conditions:
Hereditary cancer-predisposing syndrome. Also called: Neoplastic Syndromes, Hereditary; Tumor predisposition; Hereditary Cancer Syndrome; Hereditary neoplastic syndrome. Identifiers: Orphanet 140162, MedGen C0027672, MeSH D009386, MONDO:0015356.
Hereditary leiomyomatosis and renal cell cancer. Also called: MULTIPLE CUTANEOUS AND UTERINE LEIOMYOMATA 1, WITH OR WITHOUT RENAL CELL CARCINOMA; LEIOMYOMA, MULTIPLE CUTANEOUS; Reed syndrome; Multiple cutaneous and uterine leiomyomatosis; Cutaneous leiomyomata with uterine leiomyomata; Leiomyoma, hereditary multiple, of skin. Identifiers: Orphanet 523, MedGen C1708350, MONDO:0007888, OMIM 150800, HP:0007437. Disease mechanism: loss of function.

Submissions (2):

Myriad Genetics, Inc.
Classification: Benign for Hereditary leiomyomatosis and renal cell cancer. Last evaluated: 2024-10-17. Review status: criteria provided, single submitter. Criteria: Myriad Autosomal Dominant, Autosomal Recessive and X-Linked Classification Criteria (2023). Collection method: clinical testing. Allele origin: unknown.
Comment: This variant is considered benign. This variant is a silent/synonymous amino acid change and it is not expected to impact splicing.

Ambry Genetics
Classification: Likely benign for Hereditary cancer-predisposing syndrome. Last evaluated: 2020-08-26. Review status: criteria provided, single submitter. Criteria: Ambry Variant Classification Scheme 2023. Collection method: clinical testing. Allele origin: germline.